The following is an entry in ClinVar:

ClinVar aggregate classification (germline): Conflicting classifications of pathogenicity. Review status: criteria provided, conflicting classifications (1 of 4 stars). 3 submissions from 3 submitters: Uncertain significance (2); Likely benign (1). Last evaluated 2025-05-22.

Conditions:
Noonan syndrome 9 (NS9). Identifiers: Orphanet 648, MedGen C4225282, MONDO:0014691, OMIM 616559.
Cardiovascular phenotype. Identifiers: MedGen CN230736.

Allele frequency attached by ClinVar (database versions not stated): TOPMed below 0.00001; gnomAD 0.00001; gnomAD exomes 0.00001; ExAC 0.00002.
gnomAD v4.1: 5 of 1,614,068 alleles (0.00031%); highest among the groups gnomAD compares: South Asian, 0.0033%; 1 homozygote.

Submissions (3):

Labcorp Genetics (formerly Invitae), Labcorp
Classification: Likely benign for Noonan syndrome 9. Last evaluated: 2025-05-22. Review status: criteria provided, single submitter. Criteria: Invitae Variant Classification Sherloc (09022015). Collection method: clinical testing. Allele origin: germline.

Ambry Genetics
Classification: Uncertain significance for Cardiovascular phenotype. Last evaluated: 2019-05-09. Review status: criteria provided, single submitter. Criteria: Ambry Variant Classification Scheme 2023. Collection method: clinical testing. Allele origin: germline.
Comment: The p.T1261S variant (also known as c.3782C>G), located in coding exon 23 of the SOS2 gene, results from a C to G substitution at nucleotide position 3782. The threonine at codon 1261 is replaced by serine, an amino acid with similar properties. This amino acid position is highly conserved in available vertebrate species. In addition, the in silico prediction for this alteration is inconclusive. Since supporting evidence is limited at this time, the clinical significance of this alteration remains unclear.

Genome-Nilou Lab
Classification: Uncertain significance for Noonan syndrome 9. Review status: criteria provided, single submitter. Criteria: ACMG Guidelines, 2015. Collection method: clinical testing. Allele origin: germline.

NM_006939.4(SOS2):c.3782C>G (p.Thr1261Ser)

Gene: SOS2 (SOS Ras/Rho guanine nucleotide exchange factor 2; minus strand). Cytogenetic location: 14q21.3.
Variant type: single nucleotide variant.
Coding change: c.3782C>G on transcript NM_006939.4 (MANE Select); coding-DNA position 3782, C replaced by G.
Protein change: p.Thr1261Ser; replaces threonine 1261 with serine.
Molecular consequence: missense variant.
Genome position (GRCh38, 1-based): chr14:50,118,561, G>C on the plus strand (C>G on the coding strand, the complement: SOS2 is on the minus strand). VCF-style: chr14-50118561-G-C. GRCh37 (hg19) VCF-style: chr14-50585279-G-C.
Other names: short protein forms T1261S.
Identifiers: ClinVar variation 1471150 (VCV001471150.9), dbSNP rs780772018, ClinGen allele CA7176706.
Genomic context (GRCh38, chr14:50,118,561, plus strand): 5'-TGACTAGAACTGAGCACATAGCATCGACGCGGTACCCTTGGAGAGGGTGTGCTAGGAGGA[G>C]TGCTTGGCGAATTTGGACACGTACTAATGTCTCTGAGCCAGTCTGAATCTCTGTGAAGAT-3'
Protein context (NP_008870.2, residues 1251-1271): DISTCPNSPS[Thr1261Ser]PPSTPSPRVP